The following is an entry in ClinVar:

ClinVar aggregate classification (germline): Uncertain significance (1 of 4 stars; one submission).

Conditions:
Nemaline myopathy 6 (NEM6). Also called: Nemaline myopathy 6, autosomal dominant. Identifiers: Orphanet 171439, MedGen C1836472, MONDO:0012237, OMIM 609273.

Submission:

Labcorp Genetics (formerly Invitae), Labcorp
Classification: Uncertain significance for Nemaline myopathy 6. Last evaluated: 2023-07-10. Review status: criteria provided, single submitter. Criteria: Invitae Variant Classification Sherloc (09022015). Collection method: clinical testing. Allele origin: germline.
Comment: In summary, the available evidence is currently insufficient to determine the role of this variant in disease. Therefore, it has been classified as a Variant of Uncertain Significance. Advanced modeling of protein sequence and biophysical properties (such as structural, functional, and spatial information, amino acid conservation, physicochemical variation, residue mobility, and thermodynamic stability) performed at Invitae indicates that this missense variant is not expected to disrupt KBTBD13 protein function. This variant has not been reported in the literature in individuals affected with KBTBD13-related conditions. This variant is not present in population databases (gnomAD no frequency). This sequence change replaces aspartic acid, which is acidic and polar, with tyrosine, which is neutral and polar, at codon 111 of the KBTBD13 protein (p.Asp111Tyr).

NM_001101362.3(KBTBD13):c.331G>T (p.Asp111Tyr)

Gene: KBTBD13 (kelch repeat and BTB domain containing 13; plus strand). Cytogenetic location: 15q22.31.
Variant type: single nucleotide variant.
Coding change: c.331G>T on transcript NM_001101362.3 (MANE Select); coding-DNA position 331, G replaced by T.
Protein change: p.Asp111Tyr; replaces aspartic acid 111 with tyrosine.
Molecular consequence: missense variant.
Genome position (GRCh38, 1-based): chr15:65,077,146, G>T. VCF-style: chr15-65077146-G-T. GRCh37 (hg19) VCF-style: chr15-65369484-G-T.
Other names: short protein forms D111Y.
Identifiers: ClinVar variation 2728856 (VCV002728856.3), dbSNP rs567309902, ClinGen allele CA392859891.